The following is an entry in ClinVar:

ClinVar aggregate classification (germline): Uncertain significance (1 of 4 stars; one submission).

Conditions:
POLD1-related polyposis and colorectal cancer syndrome (CRCS10). Also called: Colorectal cancer 10; COLORECTAL CANCER, SUSCEPTIBILITY TO, ON CHROMOSOME 19q; Colorectal cancer, susceptibility to, 10. Identifiers: Orphanet 220460, MedGen C2675481, MONDO:0012953, OMIM 612591.

Submission:

Labcorp Genetics (formerly Invitae), Labcorp
Classification: Uncertain significance for POLD1-related polyposis and colorectal cancer syndrome. Last evaluated: 2024-12-09. Review status: criteria provided, single submitter. Criteria: Invitae Variant Classification Sherloc (09022015). Collection method: clinical testing. Allele origin: germline.
Comment: This sequence change affects a donor splice site in intron 3 of the POLD1 gene. Missense variants that disrupt the 3'-5' exonuclease (proof-reading) activity of the POLD1 protein are associated with PPAP (polymerase proofreading–associated polyposis) (PMID: 23263490, 23447401). However, loss-of-function variants that result in an absent or severely disrupted POLD1 protein, and missense variants outside the exonuclease domain, are unlikely to be associated with PPAP. This variant is not present in population databases (gnomAD no frequency). This variant has not been reported in the literature in individuals affected with POLD1-related conditions. Algorithms developed to predict the effect of sequence changes on RNA splicing suggest that this variant may disrupt the consensus splice site. In summary, the available evidence is currently insufficient to determine the role of this variant in disease. Therefore, it has been classified as a Variant of Uncertain Significance.

Literature cited by the submitters: PubMed 23263490; PubMed 23447401.

NM_002691.4(POLD1):c.316+1G>T

Gene: POLD1 (DNA polymerase delta 1, catalytic subunit; plus strand). Cytogenetic location: 19q13.33.
Variant type: single nucleotide variant.
Coding change: c.316+1G>T on transcript NM_002691.4 (MANE Select); the canonical splice donor site of the intron after coding-DNA position 316, G replaced by T.
Molecular consequence: splice donor variant.
Genome position (GRCh38, 1-based): chr19:50,399,485, G>T. VCF-style: chr19-50399485-G-T. GRCh37 (hg19) VCF-style: chr19-50902742-G-T.
Other names: c.316+1G>T (NM_001256849.1, NM_001308632.1).
Identifiers: ClinVar variation 3726942 (VCV003726942.2).
Genomic context (GRCh38, chr19:50,399,485, plus strand): 5'-CGCTGGACCCCCAGACAGAGCCCCTCATCTTCCAACAGTTGGAGATTGACCATTATGTGG[G>T]TGAGTTTAGGGGTTATGGGTGAGTGCTGGGGCCCTGCGCTCCTGGGGCAGAGGCCGGGCC-3'